The following is an entry in ClinVar:

NM_015166.4(MLC1):c.847A>G (p.Ile283Val)

Gene: MLC1 (modulator of VRAC current 1; minus strand). Cytogenetic location: 22q13.33.
Variant type: single nucleotide variant.
Coding change: c.847A>G on transcript NM_015166.4 (MANE Select); coding-DNA position 847, A replaced by G.
Protein change: p.Ile283Val; replaces isoleucine 283 with valine.
Molecular consequence: missense variant. On other transcripts: non-coding transcript variant (3).
Genome position (GRCh38, 1-based): chr22:50,068,480, T>C on the plus strand (A>G on the coding strand, the complement: MLC1 is on the minus strand). VCF-style: chr22-50068480-T-C. GRCh37 (hg19) VCF-style: chr22-50506909-T-C.
Other names: c.847A>G, p.Ile283Val (NM_001376472.1, NM_001376473.1, NM_001376474.1 and 5 more transcripts); c.790A>G, p.Ile264Val (NM_001376479.1); c.757A>G, p.Ile253Val (NM_001376480.1); c.745A>G, p.Ile249Val (NM_001376481.1); c.691A>G, p.Ile231Val (NM_001376482.1, NM_001376483.1); c.610A>G, p.Ile204Val (NM_001376484.1); short protein forms I249V, I283V, I231V, I264V, I204V, I253V.
Identifiers: ClinVar variation 1898578 (VCV001898578.5), dbSNP rs774026753, ClinGen allele CA412107645.
Genomic context (GRCh38, chr22:50,068,480, plus strand): 5'-AAATACAACTCACTTTTATGGCTGGCGGGTAATCCTTAAACATCTCCACGATTCTCATGA[T>C]GCTGAATGACAGATATCCAGAGGCTGTGAACAGCAGCGGAGACGTGAGGCTGCTTATGGC-3'
Protein context (NP_055981.1, residues 273-293): FTASGYLSFS[Ile283Val]MRIVEMFKDY

ClinVar aggregate classification (germline): Uncertain significance (1 of 4 stars; one submission).

Submission:

Labcorp Genetics (formerly Invitae), Labcorp
Classification: Uncertain significance. Last evaluated: 2022-07-16. Review status: criteria provided, single submitter. Criteria: Invitae Variant Classification Sherloc (09022015). Collection method: clinical testing. Allele origin: germline.
Comment: This sequence change replaces isoleucine, which is neutral and non-polar, with valine, which is neutral and non-polar, at codon 283 of the MLC1 protein (p.Ile283Val). This variant is not present in population databases (gnomAD no frequency). This variant has not been reported in the literature in individuals affected with MLC1-related conditions. Algorithms developed to predict the effect of missense changes on protein structure and function output the following: SIFT: "Tolerated"; PolyPhen-2: "Benign"; Align-GVGD: "Class C0". The valine amino acid residue is found in multiple mammalian species, which suggests that this missense change does not adversely affect protein function. In summary, the available evidence is currently insufficient to determine the role of this variant in disease. Therefore, it has been classified as a Variant of Uncertain Significance.